The following is an entry in ClinVar:

NM_002242.4(KCNJ13):c.529G>A (p.Val177Ile)

Genes: GIGYF2 (GRB10 interacting GYF protein 2; plus strand), KCNJ13 (potassium inwardly rectifying channel subfamily J member 13; minus strand). Cytogenetic location: 2q37.1.
Variant type: single nucleotide variant.
Coding change: c.529G>A on transcript NM_002242.4 (MANE Select); coding-DNA position 529, G replaced by A.
Protein change: p.Val177Ile; replaces valine 177 with isoleucine.
Molecular consequence: missense variant. On other transcripts: 3 prime UTR variant (1), intron variant (4).
Genome position (GRCh38, 1-based): chr2:232,768,745, C>T on the plus strand (G>A on the coding strand, the complement: KCNJ13 is on the minus strand). VCF-style: chr2-232768745-C-T. GRCh37 (hg19) VCF-style: chr2-233633455-C-T.
Other names: c.*8G>A (NM_001172416.1); c.289G>A, p.Val97Ile (NM_001172417.1); c.532+7309C>T (NM_001103146.3, NM_015575.4, NM_001103147.2 and 1 more transcripts); short protein forms V97I, V177I.
Identifiers: ClinVar variation 2695376 (VCV002695376.3), dbSNP rs753938104, ClinGen allele CA351010345.

ClinVar aggregate classification (germline): Uncertain significance (1 of 4 stars; one submission).

Allele frequency attached by ClinVar (database versions not stated): gnomAD exomes below 0.00001; gnomAD 0.00001.
gnomAD v4.1: 2 of 1,601,156 alleles (0.00012%); highest among the groups gnomAD compares: African/African-American, 0.0013%; no homozygotes.

Submission:

Labcorp Genetics (formerly Invitae), Labcorp
Classification: Uncertain significance. Last evaluated: 2024-01-18. Review status: criteria provided, single submitter. Criteria: Invitae Variant Classification Sherloc (09022015). Collection method: clinical testing. Allele origin: germline.
Comment: This sequence change replaces valine, which is neutral and non-polar, with isoleucine, which is neutral and non-polar, at codon 177 of the KCNJ13 protein (p.Val177Ile). This variant is present in population databases (no rsID available, gnomAD 0.004%). This variant has not been reported in the literature in individuals affected with KCNJ13-related conditions. Advanced modeling of protein sequence and biophysical properties (such as structural, functional, and spatial information, amino acid conservation, physicochemical variation, residue mobility, and thermodynamic stability) performed at Invitae indicates that this missense variant is not expected to disrupt KCNJ13 protein function with a negative predictive value of 80%. In summary, the available evidence is currently insufficient to determine the role of this variant in disease. Therefore, it has been classified as a Variant of Uncertain Significance.